The following is an entry in ClinVar:

NM_000138.5(FBN1):c.4168_4171del (p.Leu1390fs)

Gene: FBN1 (fibrillin 1; minus strand). Cytogenetic location: 15q21.1.
Variant type: Microsatellite.
Coding change: c.4168_4171del on transcript NM_000138.5 (MANE Select); coding-DNA positions 4168 to 4171, 4 bases deleted (CTGT; older notation c.4168_4171delCTGT).
Protein change: p.Leu1390fs; shifts the reading frame from leucine 1390.
Molecular consequence: frameshift variant.
Genome position (GRCh38, 1-based): chr15:48,474,294-48,474,297, ACAG deleted on the plus strand (CTGT on the coding strand, the reverse complement: FBN1 is on the minus strand); deleting any 4 consecutive bases within chr15:48,474,294-48,474,301 gives the same sequence; the c. name uses the placement nearest the transcript's 3' end. VCF-style (leftmost placement, unchanged base first): chr15-48474293-CACAG-C. GRCh37 (hg19) VCF-style: chr15-48766490-CACAG-C.
Other names: c.4168_4171delCTGT (NM_000138.4); short protein forms L1390fs.
Identifiers: ClinVar variation 517371 (VCV000517371.20), dbSNP rs1555397655, ClinGen allele CA658798358.

ClinVar aggregate classification (germline): Pathogenic. Review status: criteria provided, multiple submitters, no conflicts (2 of 4 stars). 2 submissions from 2 submitters: Pathogenic (2). Last evaluated 2021-03-01.

Conditions:
Marfan syndrome (MFS). Also called: Marfan syndrome type 1; Marfan syndrome, classic; Marfan's syndrome; FBN1-Related Marfan Syndrome; MARFAN SYNDROME, TYPE I. Identifiers: Orphanet 284963, Orphanet 558, MedGen C0024796, MONDO:0007947, OMIM 154700.

Submissions (2):

Centre of Medical Genetics, University of Antwerp
Classification: Pathogenic for Marfan syndrome. Last evaluated: 2021-03-01. Review status: criteria provided, single submitter. Criteria: Submitter's publication. Collection method: research. Allele origin: unknown. Affected: yes.
Comment: PM2, PVS1, PP4

Laboratory for Molecular Medicine, Mass General Brigham Personalized Medicine
Classification: Pathogenic for Marfan syndrome. Last evaluated: 2017-07-27. Review status: criteria provided, single submitter. Criteria: LMM Criteria. Collection method: clinical testing. Allele origin: germline. Inheritance: Autosomal dominant inheritance. Observed: 1 variant allele.
Comment: This variant i s predicted to cause a frameshift, which alters the protein?s amino acid sequenc e beginning at position 1930 and leads to a premature termination codon 22 amino acids downstream. This alteration is then predicted to lead to a truncated or a bsent protein. Heterozygous loss of function of the FBN1 gene is an established disease mechanism in Marfan syndrome. In summary, this variant meets criteria to be classified as pathogenic for Marfan syndrome in an autosomal dominant manner based upon the predicted impact to the protein and absence in controls.

Literature cited by the submitters: PubMed 22772377 (cited by Laboratory for Molecular Medicine, Mass General Brigham Personalized Medicine).